The following is an entry in ClinVar:

NM_181486.4(TBX5):c.631T>C (p.Phe211Leu)

Gene: TBX5 (T-box transcription factor 5; minus strand). Cytogenetic location: 12q24.21.
Variant type: single nucleotide variant.
Coding change: c.631T>C on transcript NM_181486.4 (MANE Select); coding-DNA position 631, T replaced by C.
Protein change: p.Phe211Leu; replaces phenylalanine 211 with leucine.
Molecular consequence: missense variant.
Genome position (GRCh38, 1-based): chr12:114,394,773, A>G on the plus strand (T>C on the coding strand, the complement: TBX5 is on the minus strand). VCF-style: chr12-114394773-A-G. GRCh37 (hg19) VCF-style: chr12-114832578-A-G.
Other names: c.631T>C, p.Phe211Leu (NM_000192.3); c.481T>C, p.Phe161Leu (NM_080717.4); short protein forms F161L, F211L.
Identifiers: ClinVar variation 4076533 (VCV004076533.1).

ClinVar aggregate classification (germline): Uncertain significance (1 of 4 stars; one submission).

gnomAD v4.1: 1 of 1,614,118 alleles (0.000062%); highest among the groups gnomAD compares: Non-Finnish European, 0.000085%; no homozygotes.

Submission:

GeneDx
Classification: Uncertain significance. Last evaluated: 2025-02-24. Review status: criteria provided, single submitter. Criteria: GeneDx Variant Classification Process June 2021. Collection method: clinical testing. Allele origin: germline. Affected: yes.
Comment: Not observed at significant frequency in large population cohorts (gnomAD); In silico analysis supports that this missense variant has a deleterious effect on protein structure/function; Has not been previously published as pathogenic or benign to our knowledge